The following is an entry in ClinVar:

ClinVar aggregate classification (germline): Uncertain significance. Review status: criteria provided, multiple submitters, no conflicts (2 of 4 stars). 2 submissions from 2 submitters: Uncertain significance (2). Last evaluated 2025-02-26.

Conditions:
Hereditary cancer-predisposing syndrome. Also called: Tumor predisposition; Neoplastic Syndromes, Hereditary; Hereditary Cancer Syndrome; Hereditary neoplastic syndrome. Identifiers: Orphanet 140162, MedGen C0027672, MeSH D009386, MONDO:0015356.
Multiple endocrine neoplasia type 4. Also called: MULTIPLE ENDOCRINE NEOPLASIA, TYPE IV. Identifiers: Orphanet 276152, MedGen C1970712, MONDO:0012552, OMIM 610755.

Allele frequency attached by ClinVar (database versions not stated): gnomAD 0.00002; TOPMed 0.00002.

Submissions (2):

Labcorp Genetics (formerly Invitae), Labcorp
Classification: Uncertain significance for Multiple endocrine neoplasia type 4. Last evaluated: 2025-02-26. Review status: criteria provided, single submitter. Criteria: Invitae Variant Classification Sherloc (09022015). Collection method: clinical testing. Allele origin: germline.
Comment: This sequence change replaces proline, which is neutral and non-polar, with arginine, which is basic and polar, at codon 95 of the CDKN1B protein (p.Pro95Arg). This variant is present in population databases (rs200141048, gnomAD 0.007%). This variant has not been reported in the literature in individuals affected with CDKN1B-related conditions. ClinVar contains an entry for this variant (Variation ID: 404280). An algorithm developed to predict the effect of missense changes on protein structure and function (PolyPhen-2) suggests that this variant is likely to be tolerated. In summary, the available evidence is currently insufficient to determine the role of this variant in disease. Therefore, it has been classified as a Variant of Uncertain Significance.

Ambry Genetics
Classification: Uncertain significance for Hereditary cancer-predisposing syndrome. Last evaluated: 2024-03-21. Review status: criteria provided, single submitter. Criteria: Ambry Variant Classification Scheme 2023. Collection method: clinical testing. Allele origin: germline.
Comment: The p.P95R variant (also known as c.284C>G), located in coding exon 1 of the CDKN1B gene, results from a C to G substitution at nucleotide position 284. The proline at codon 95 is replaced by arginine, an amino acid with dissimilar properties. This amino acid position is conserved. In addition, this alteration is predicted to be tolerated by in silico analysis. Since supporting evidence is limited at this time, the clinical significance of this alteration remains unclear.

NM_004064.5(CDKN1B):c.284C>G (p.Pro95Arg)

Gene: CDKN1B (cyclin dependent kinase inhibitor 1B; plus strand). Cytogenetic location: 12p13.1.
Variant type: single nucleotide variant.
Coding change: c.284C>G on transcript NM_004064.5 (MANE Select); coding-DNA position 284, C replaced by G.
Protein change: p.Pro95Arg; replaces proline 95 with arginine.
Molecular consequence: missense variant.
Genome position (GRCh38, 1-based): chr12:12,718,123, C>G. VCF-style: chr12-12718123-C-G. GRCh37 (hg19) VCF-style: chr12-12871057-C-G.
Other names: short protein forms P95R.
Identifiers: ClinVar variation 404280 (VCV000404280.14), dbSNP rs200141048, ClinGen allele CA6457450.